The following is an entry in ClinVar:

ClinVar aggregate classification (germline): Uncertain significance (1 of 4 stars; one submission).

Conditions:
Glycine encephalopathy. Also called: Non-ketotic hyperglycinemia; Nonketotic hyperglycinemia. Identifiers: Orphanet 407, MedGen C0751748, MONDO:0011612, HP:0008288.

Allele frequency attached by ClinVar (database versions not stated): gnomAD exomes below 0.00001; ExAC 0.00001; TOPMed 0.00002; gnomAD 0.00003.
gnomAD v4.1: 12 of 1,614,068 alleles (0.00074%); highest among the groups gnomAD compares: African/African-American, 0.008%; no homozygotes.

Submission:

Labcorp Genetics (formerly Invitae), Labcorp
Classification: Uncertain significance for Glycine encephalopathy. Last evaluated: 2021-08-24. Review status: criteria provided, single submitter. Criteria: Invitae Variant Classification Sherloc (09022015). Collection method: clinical testing. Allele origin: germline.
Comment: This sequence change replaces leucine with phenylalanine at codon 681 of the GLDC protein (p.Leu681Phe). The leucine residue is highly conserved and there is a small physicochemical difference between leucine and phenylalanine. This variant is present in population databases (rs753457618, ExAC 0.01%). This variant has not been reported in the literature in individuals affected with GLDC-related conditions. Advanced modeling of protein sequence and biophysical properties (such as structural, functional, and spatial information, amino acid conservation, physicochemical variation, residue mobility, and thermodynamic stability) performed at Invitae indicates that this missense variant is expected to disrupt GLDC protein function. In summary, the available evidence is currently insufficient to determine the role of this variant in disease. Therefore, it has been classified as a Variant of Uncertain Significance.

NM_000170.3(GLDC):c.2041C>T (p.Leu681Phe)

Gene: GLDC (glycine decarboxylase; minus strand). Cytogenetic location: 9p24.1.
Variant type: single nucleotide variant.
Coding change: c.2041C>T on transcript NM_000170.3 (MANE Select); coding-DNA position 2041, C replaced by T.
Protein change: p.Leu681Phe; replaces leucine 681 with phenylalanine.
Molecular consequence: missense variant.
Genome position (GRCh38, 1-based): chr9:6,558,570, G>A on the plus strand (C>T on the coding strand, the complement: GLDC is on the minus strand). VCF-style: chr9-6558570-G-A. GRCh37 (hg19) VCF-style: chr9-6558570-G-A.
Other names: short protein forms L681F.
Identifiers: ClinVar variation 1444437 (VCV001444437.5), dbSNP rs753457618, ClinGen allele CA4980431.